The following is an entry in ClinVar:

ClinVar aggregate classification (germline): Conflicting classifications of pathogenicity. Review status: criteria provided, conflicting classifications (1 of 4 stars). 4 submissions from 4 submitters: Uncertain significance (3); Likely benign (1). Last evaluated 2025-09-08.

Conditions:
Arrhythmogenic right ventricular cardiomyopathy (ARVD). Also called: Arrhythmogenic right ventricular dysplasia; Cardiomyopathy, ARVC; Arrhythmogenic cardiomyopathy; Arrhythmogenic Right Ventricular Cardiomyopathy (ARVC). Identifiers: Orphanet 247, MedGen C0349788, MeSH D019571, MONDO:0016587. Disease mechanism: loss of function. Inheritance: Various modes of inheritance.
Cardiovascular phenotype. Identifiers: MedGen CN230736.
Arrhythmogenic right ventricular dysplasia 10. Also called: ARRHYTHMOGENIC RIGHT VENTRICULAR DYSPLASIA, FAMILIAL, 10; Arrhythmogenic Right Ventricular Dysplasia/Cardiomyopathy10; Arrhythmogenic right ventricular dysplasia/cardiomyopathy, type 10. Identifiers: MedGen C1857777, MONDO:0012434, OMIM 610193.
Cardiomyopathy (CMYO). Also called: Cardiomyopathies. Identifiers: Orphanet 167848, MedGen C0878544, MONDO:0004994, HP:0001638. Inheritance: Various modes of inheritance.

Allele frequency attached by ClinVar (database versions not stated): TOPMed below 0.00001.
gnomAD v4.1: 1 of 1,613,794 alleles (0.000062%); highest among the groups gnomAD compares: Non-Finnish European, 0.000085%; no homozygotes.

Submissions (4):

Labcorp Genetics (formerly Invitae), Labcorp
Classification: Uncertain significance for Arrhythmogenic right ventricular dysplasia 10. Last evaluated: 2025-09-08. Review status: criteria provided, single submitter. Criteria: Invitae Variant Classification Sherloc (09022015). Collection method: clinical testing. Allele origin: germline.
Comment: This sequence change replaces valine, which is neutral and non-polar, with alanine, which is neutral and non-polar, at codon 165 of the DSG2 protein (p.Val165Ala). This variant is not present in population databases (gnomAD no frequency). This variant has not been reported in the literature in individuals affected with DSG2-related conditions. ClinVar contains an entry for this variant (Variation ID: 2165154). Invitae Evidence Modeling of protein sequence and biophysical properties (such as structural, functional, and spatial information, amino acid conservation, physicochemical variation, residue mobility, and thermodynamic stability) indicates that this missense variant is not expected to disrupt DSG2 protein function with a negative predictive value of 95%. In summary, the available evidence is currently insufficient to determine the role of this variant in disease. Therefore, it has been classified as a Variant of Uncertain Significance.

Color Diagnostics, LLC DBA Color Health
Classification: Uncertain significance for Cardiomyopathy. Last evaluated: 2025-08-30. Review status: criteria provided, single submitter. Criteria: ACMG Guidelines, 2015. Collection method: clinical testing. Allele origin: germline.
Comment: This missense variant replaces valine with alanine at codon 165 of the DSG2 protein. Computational prediction suggests that this variant may not impact protein structure and function. To our knowledge, functional studies have not been reported for this variant. This variant has not been reported in individuals affected with DSG2-related disorders in the literature. This variant has not been identified in the general population by the Genome Aggregation Database (gnomAD). The available evidence is insufficient to determine the role of this variant in disease conclusively. Therefore, this variant is classified as a Variant of Uncertain Significance.

Ambry Genetics
Classification: Likely benign for Cardiovascular phenotype. Last evaluated: 2025-08-29. Review status: criteria provided, single submitter. Criteria: Ambry Variant Classification Scheme 2023. Collection method: clinical testing. Allele origin: germline.

All of Us Research Program, National Institutes of Health
Classification: Uncertain significance for Arrhythmogenic right ventricular cardiomyopathy. Last evaluated: 2023-09-09. Review status: criteria provided, single submitter. Criteria: ACMG Guidelines, 2015. Collection method: clinical testing. Allele origin: germline. Inheritance: Autosomal dominant inheritance. Observed: 2 variant alleles, 2 heterozygotes.
Comment: This missense variant replaces valine with alanine at codon 165 of the DSG2 protein. Computational prediction suggests that this variant may not impact protein structure and function (internally defined REVEL score threshold <= 0.5, PMID: 27666373). To our knowledge, functional studies have not been reported for this variant. This variant has not been reported in individuals affected with DSG2-related disorders in the literature. This variant has not been identified in the general population by the Genome Aggregation Database (gnomAD). The available evidence is insufficient to determine the role of this variant in disease conclusively. Therefore, this variant is classified as a Variant of Uncertain Significance.

This study involves interpretation of variants in research participants for the purpose of population health screening. Participant phenotype was not available at the time of variant classification. Additional details can be found in publication PMID: 35346344, PMCID: PMC8962531

NM_001943.5(DSG2):c.494T>C (p.Val165Ala)

Gene: DSG2 (desmoglein 2; plus strand). Cytogenetic location: 18q12.1.
Variant type: single nucleotide variant.
Coding change: c.494T>C on transcript NM_001943.5 (MANE Select); coding-DNA position 494, T replaced by C.
Protein change: p.Val165Ala; replaces valine 165 with alanine.
Molecular consequence: missense variant.
Genome position (GRCh38, 1-based): chr18:31,521,214, T>C. VCF-style: chr18-31521214-T-C. GRCh37 (hg19) VCF-style: chr18-29101177-T-C.
Other names: short protein forms V165A.
Identifiers: ClinVar variation 2165154 (VCV002165154.8), dbSNP rs1045381049, ClinGen allele CA297729354.